The following is an entry in ClinVar:

ClinVar aggregate classification (germline): Uncertain significance. Review status: criteria provided, multiple submitters, no conflicts (2 of 4 stars). 2 submissions from 2 submitters: Uncertain significance (2). Last evaluated 2022-06-20.

Conditions:
Leber congenital amaurosis 12 (LCA12). Identifiers: Orphanet 65, MedGen C1857743, MONDO:0012525, OMIM 610612.

Allele frequency attached by ClinVar (database versions not stated): ExAC 0.00002; gnomAD 0.00002; TOPMed 0.00003; ESP Exome Variant Server 0.00008.
gnomAD v4.1: 86 of 1,612,664 alleles (0.0053%); highest among the groups gnomAD compares: Non-Finnish European, 0.007%; no homozygotes.

Submissions (2):

Labcorp Genetics (formerly Invitae), Labcorp
Classification: Uncertain significance for Leber congenital amaurosis 12. Last evaluated: 2022-06-20. Review status: criteria provided, single submitter. Criteria: Invitae Variant Classification Sherloc (09022015). Collection method: clinical testing. Allele origin: germline.
Comment: This sequence change replaces serine, which is neutral and polar, with isoleucine, which is neutral and non-polar, at codon 149 of the RD3 protein (p.Ser149Ile). This variant is present in population databases (rs371097322, gnomAD 0.006%). This variant has not been reported in the literature in individuals affected with RD3-related conditions. Algorithms developed to predict the effect of missense changes on protein structure and function (SIFT, PolyPhen-2, Align-GVGD) all suggest that this variant is likely to be disruptive. In summary, the available evidence is currently insufficient to determine the role of this variant in disease. Therefore, it has been classified as a Variant of Uncertain Significance.

Blueprint Genetics
Classification: Uncertain significance. Last evaluated: 2021-10-14. Review status: criteria provided, single submitter. Criteria: ACMG Guidelines, 2015. Collection method: clinical testing. Allele origin: germline.

NM_001164688.2(RD3):c.446G>T (p.Ser149Ile)

Gene: RD3 (RD3 regulator of GUCY2D; minus strand). Cytogenetic location: 1q32.3.
Variant type: single nucleotide variant.
Coding change: c.446G>T on transcript NM_001164688.2 (MANE Select); coding-DNA position 446, G replaced by T.
Protein change: p.Ser149Ile; replaces serine 149 with isoleucine.
Molecular consequence: missense variant.
Genome position (GRCh38, 1-based): chr1:211,479,178, C>A on the plus strand (G>T on the coding strand, the complement: RD3 is on the minus strand). VCF-style: chr1-211479178-C-A. GRCh37 (hg19) VCF-style: chr1-211652520-C-A.
Other names: c.446G>T, p.Ser149Ile (NM_183059.3); short protein forms S149I.
Identifiers: ClinVar variation 1381527 (VCV001381527.6), dbSNP rs371097322, ClinGen allele CA1381066.